The following is an entry in ClinVar:

ClinVar aggregate classification (germline): Uncertain significance (0 of 4 stars; one submission).

Conditions:
SETX-related disorder. Also called: SETX-related condition; SETX-related disorders. Identifiers: MedGen CN239403.

Submission:

PreventionGenetics, part of Exact Sciences
Classification: Uncertain significance for SETX-related condition. Last evaluated: 2024-01-12. Review status: no assertion criteria provided. Collection method: clinical testing. Allele origin: germline.
Comment: The SETX c.3022A>G variant is predicted to result in the amino acid substitution p.Thr1008Ala. To our knowledge, this variant has not been reported in the literature. This variant is reported in 0.0018% of alleles in individuals of European (Non-Finnish) descent in gnomAD. At this time, the clinical significance of this variant is uncertain due to the absence of conclusive functional and genetic evidence.

NM_015046.7(SETX):c.3022A>G (p.Thr1008Ala)

Gene: SETX (senataxin; minus strand). Cytogenetic location: 9q34.13.
Variant type: single nucleotide variant.
Coding change: c.3022A>G on transcript NM_015046.7 (MANE Select); coding-DNA position 3022, A replaced by G.
Protein change: p.Thr1008Ala; replaces threonine 1008 with alanine.
Molecular consequence: missense variant.
Genome position (GRCh38, 1-based): chr9:132,328,576, T>C on the plus strand (A>G on the coding strand, the complement: SETX is on the minus strand). VCF-style: chr9-132328576-T-C. GRCh37 (hg19) VCF-style: chr9-135203963-T-C.
Other names: c.3022A>G, p.Thr1008Ala (NM_001351527.2, NM_001351528.2); short protein forms T1008A.
Identifiers: ClinVar variation 3348387 (VCV003348387.1).